The following is an entry in ClinVar:

ClinVar aggregate classification (germline): Uncertain significance (1 of 4 stars; one submission).

Submission:

Labcorp Genetics (formerly Invitae), Labcorp
Classification: Uncertain significance. Last evaluated: 2017-02-13. Review status: criteria provided, single submitter. Criteria: Invitae Variant Classification Sherloc (09022015). Collection method: clinical testing. Allele origin: germline.
Comment: This sequence change replaces glutamine with leucine at codon 939 of the PLEKHM2 protein (p.Gln939Leu). The glutamine residue is moderately conserved and there is a moderate physicochemical difference between glutamine and leucine. In summary, this variant is a novel missense change that is not predicted to affect protein function. There is no indication that it causes disease, but the available evidence is currently insufficient to prove that conclusively. Therefore, it has been classified as a Variant of Uncertain Significance. Algorithms developed to predict the effect of missense changes on protein structure and function (SIFT, PolyPhen-2, Align-GVGD) all suggest that this variant is likely to be tolerated, but these predictions have not been confirmed by published functional studies. This variant is not present in population databases (ExAC no frequency) and has not been reported in the literature in individuals with a PLEKHM2-related disease.

NM_015164.4(PLEKHM2):c.2816A>T (p.Gln939Leu)

Gene: PLEKHM2 (pleckstrin homology and RUN domain containing M2; plus strand). Cytogenetic location: 1p36.21.
Variant type: single nucleotide variant.
Coding change: c.2816A>T on transcript NM_015164.4 (MANE Select); coding-DNA position 2816, A replaced by T.
Protein change: p.Gln939Leu; replaces glutamine 939 with leucine.
Molecular consequence: missense variant.
Genome position (GRCh38, 1-based): chr1:15,732,622, A>T. VCF-style: chr1-15732622-A-T. GRCh37 (hg19) VCF-style: chr1-16059117-A-T.
Other names: short protein forms Q939L.
Identifiers: ClinVar variation 478095 (VCV000478095.8), dbSNP rs1170562546, ClinGen allele CA338575428.
Genomic context (GRCh38, chr1:15,732,622, plus strand): 5'-CTGCAGAAGGAAAGCTCTGGCTGCTCACCCGGGGGCCTGGCTCTCCCTAGGAGTTCTCCC[A>T]GGACAGCCAGCAGCTCCTCCCGCCCTGGGTCATCTACCTGAGCTGCACTTCTGAACTGGA-3'
Protein context (NP_055979.2, residues 929-949): GKEYCVLEFS[Gln939Leu]DSQQLLPPWV